The following is an entry in ClinVar:

NM_003801.4(GPAA1):c.869T>C (p.Leu290Pro)

Gene: GPAA1 (glycosylphosphatidylinositol anchor attachment 1; plus strand). Cytogenetic location: 8q24.3.
Variant type: single nucleotide variant.
Coding change: c.869T>C on transcript NM_003801.4 (MANE Select); coding-DNA position 869, T replaced by C.
Protein change: p.Leu290Pro; replaces leucine 290 with proline.
Molecular consequence: missense variant.
Genome position (GRCh38, 1-based): chr8:144,084,468, T>C. VCF-style: chr8-144084468-T-C. GRCh37 (hg19) VCF-style: chr8-145139371-T-C.
Other names: short protein forms L290P.
Identifiers: ClinVar variation 453253 (VCV000453253.8), dbSNP rs1554764058, ClinGen allele CA372498194.

ClinVar aggregate classification (germline): Conflicting classifications of pathogenicity. Review status: criteria provided, conflicting classifications (1 of 4 stars). 4 submissions from 4 submitters: Likely pathogenic (1); Uncertain significance (2). 1 of the submissions does not count toward it. Last evaluated 2022-07-26.

Conditions:
Glycosylphosphatidylinositol biosynthesis defect 15. Also called: DEVELOPMENTAL DELAY, EPILEPSY, CEREBELLAR ATROPHY, AND OSTEOPENIA. Identifiers: Orphanet 529665, MedGen C4540520, MONDO:0060627, OMIM 617810.

Allele frequency attached by ClinVar (database versions not stated): gnomAD exomes below 0.00001.

Submissions (4):

Labcorp Genetics (formerly Invitae), Labcorp
Classification: Uncertain significance. Last evaluated: 2022-07-26. Review status: criteria provided, single submitter. Criteria: Invitae Variant Classification Sherloc (09022015). Collection method: clinical testing. Allele origin: germline.
Comment: In summary, the available evidence is currently insufficient to determine the role of this variant in disease. Therefore, it has been classified as a Variant of Uncertain Significance. Algorithms developed to predict the effect of missense changes on protein structure and function are either unavailable or do not agree on the potential impact of this missense change (SIFT: "Deleterious"; PolyPhen-2: "Probably Damaging"; Align-GVGD: "Class C0"). ClinVar contains an entry for this variant (Variation ID: 453253). This missense change has been observed in individual(s) with clinical features of congenital disorders of glycosylation (PMID: 29100095, 32637629). It has also been observed to segregate with disease in related individuals. This variant is present in population databases (no rsID available, gnomAD 0.005%). This sequence change replaces leucine, which is neutral and non-polar, with proline, which is neutral and non-polar, at codon 290 of the GPAA1 protein (p.Leu290Pro).

GeneDx
Classification: Uncertain significance. Last evaluated: 2021-09-27. Review status: criteria provided, single submitter. Criteria: GeneDx Variant Classification Process June 2021. Collection method: clinical testing. Allele origin: germline. Affected: yes.
Comment: Not observed at a significant frequency in large population cohorts (Lek et al., 2016); In silico analysis supports that this missense variant has a deleterious effect on protein structure/function; This variant is associated with the following publications: (PMID: 32637629, 29100095)

SIB Swiss Institute of Bioinformatics
Classification: Likely pathogenic for Glycosylphosphatidylinositol biosynthesis defect 15. Last evaluated: 2018-10-15. Review status: criteria provided, single submitter. Criteria: ACMG Guidelines, 2015. Collection method: curation. Allele origin: germline.
Comment: This variant is interpreted as Likely Pathogenic, for Glycosylphosphatidylinositol biosynthesis defect 15, autosomal recessive. The following ACMG Tag(s) were applied: PM2 => Absent from controls (or at extremely low frequency if recessive) in Exome Sequencing Project, 1000 Genomes Project, or Exome Aggregation Consortium. PP1 => Cosegregation with disease in multiple affected family members in a gene definitively known to cause the disease (PubMed 29100095). PP3 => Multiple lines of computational evidence support a deleterious effect on the gene or gene product. PM5 => Missense substitution changing Leu to Pro at a position adiacent to a residue where a likely pathogenic Leu to Pro change has been observed before.

OMIM
Classification: Pathogenic for GLYCOSYLPHOSPHATIDYLINOSITOL BIOSYNTHESIS DEFECT 15. Last evaluated: 2017-12-18. Review status: no assertion criteria provided. Collection method: literature only. Allele origin: germline. Not counted in ClinVar's aggregate classification.

Literature cited by the submitters: PubMed 29100095 (cited by 3 submitters); PubMed 32637629 (cited by Labcorp Genetics (formerly Invitae), Labcorp).